The following is an entry in ClinVar:

ClinVar aggregate classification (germline): Uncertain significance. Review status: criteria provided, multiple submitters, no conflicts (2 of 4 stars). 4 submissions from 4 submitters: Uncertain significance (4). Last evaluated 2026-01-05.

Conditions:
Hereditary cancer-predisposing syndrome. Also called: Hereditary Cancer Syndrome; Tumor predisposition; Hereditary neoplastic syndrome; Neoplastic Syndromes, Hereditary. Identifiers: Orphanet 140162, MedGen C0027672, MeSH D009386, MONDO:0015356.
Fumarase deficiency (FMRD). Also called: Fumaric aciduria; Fumarate Hydratase Deficiency. Identifiers: Orphanet 24, MedGen C0342770, MONDO:0011730, OMIM 606812.

Allele frequency attached by ClinVar (database versions not stated): gnomAD 0.00001 and 0.00002; TOPMed 0.00001.
gnomAD v4.1: 4 of 1,547,578 alleles (0.00026%); highest among the groups gnomAD compares: African/African-American, 0.0055%; no homozygotes.

Submissions (4):

Labcorp Genetics (formerly Invitae), Labcorp
Classification: Uncertain significance. Last evaluated: 2026-01-05. Review status: criteria provided, single submitter. Criteria: Invitae Variant Classification Sherloc (09022015). Collection method: clinical testing. Allele origin: germline.
Comment: This sequence change replaces proline, which is neutral and non-polar, with leucine, which is neutral and non-polar, at codon 39 of the FH protein (p.Pro39Leu). This variant is not present in population databases (gnomAD no frequency). This variant has not been reported in the literature in individuals affected with FH-related conditions. ClinVar contains an entry for this variant (Variation ID: 1464942). Invitae Evidence Modeling of protein sequence and biophysical properties (such as structural, functional, and spatial information, amino acid conservation, physicochemical variation, residue mobility, and thermodynamic stability) indicates that this missense variant is not expected to disrupt FH protein function with a negative predictive value of 95%. In summary, the available evidence is currently insufficient to determine the role of this variant in disease. Therefore, it has been classified as a Variant of Uncertain Significance.

GeneDx
Classification: Uncertain significance. Last evaluated: 2024-07-23. Review status: criteria provided, single submitter. Criteria: GeneDx Variant Classification Process June 2021. Collection method: clinical testing. Allele origin: germline.
Comment: Not observed at significant frequency in large population cohorts (gnomAD); In silico analysis indicates that this missense variant does not alter protein structure/function; Has not been previously published as pathogenic or benign to our knowledge

Ambry Genetics
Classification: Uncertain significance for Hereditary cancer-predisposing syndrome. Last evaluated: 2024-02-16. Review status: criteria provided, single submitter. Criteria: Ambry Variant Classification Scheme 2023. Collection method: clinical testing. Allele origin: germline.
Comment: The p.P39L variant (also known as c.116C>T), located in coding exon 1 of the FH gene, results from a C to T substitution at nucleotide position 116. The proline at codon 39 is replaced by leucine, an amino acid with similar properties. This amino acid position is not well conserved in available vertebrate species. In addition, the in silico prediction for this alteration is inconclusive. Since supporting evidence is limited at this time, the clinical significance of this alteration remains unclear.

Baylor Genetics
Classification: Uncertain significance for Fumarase deficiency. Last evaluated: 2024-01-31. Review status: criteria provided, single submitter. Criteria: ACMG Guidelines, 2015. Collection method: clinical testing. Allele origin: unknown.

NM_000143.4(FH):c.116C>T (p.Pro39Leu)

Gene: FH (fumarate hydratase; minus strand). Cytogenetic location: 1q43.
Variant type: single nucleotide variant.
Coding change: c.116C>T on transcript NM_000143.4 (MANE Select); coding-DNA position 116, C replaced by T.
Protein change: p.Pro39Leu; replaces proline 39 with leucine.
Molecular consequence: missense variant.
Genome position (GRCh38, 1-based): chr1:241,519,607, G>A on the plus strand (C>T on the coding strand, the complement: FH is on the minus strand). VCF-style: chr1-241519607-G-A. GRCh37 (hg19) VCF-style: chr1-241682907-G-A.
Other names: short protein forms P39L.
Identifiers: ClinVar variation 1464942 (VCV001464942.11), dbSNP rs1415259326, ClinGen allele CA345442654.